The following is an entry in ClinVar:

NM_000443.4(ABCB4):c.*17A>G

Gene: ABCB4 (ATP binding cassette subfamily B member 4; minus strand). Cytogenetic location: 7q21.12.
Variant type: single nucleotide variant.
Coding change: c.*17A>G on transcript NM_000443.4 (MANE Select); 17 bases downstream of the stop codon, A replaced by G.
Molecular consequence: 3 prime UTR variant.
Genome position (GRCh38, 1-based): chr7:87,402,079, T>C on the plus strand (A>G on the coding strand, the complement: ABCB4 is on the minus strand). VCF-style: chr7-87402079-T-C. GRCh37 (hg19) VCF-style: chr7-87031395-T-C.
Other names: c.*17A>G (NM_018849.3, NM_018850.3).
Identifiers: ClinVar variation 4846322 (VCV004846322.1).

ClinVar aggregate classification (germline): Uncertain significance (1 of 4 stars; one submission).

Conditions:
Familial intrahepatic cholestasis. Identifiers: Orphanet 284385, MedGen CN296401, MONDO:0017290.
Low phospholipid associated cholelithiasis (GBD1). Also called: Gallbladder disease 1; Gallstone cholecystitis. Identifiers: Orphanet 69663, MedGen C2609268, MONDO:0010939, OMIM 600803.

gnomAD v4.1: 2 of 1,613,528 alleles (0.00012%); highest among the groups gnomAD compares: South Asian, 0.0022%; no homozygotes.

Submission:

Genomenon, Inc
Classification: Uncertain significance for Familial intrahepatic cholestasis; Low phospholipid associated cholelithiasis. Last evaluated: 2026-04-14. Review status: criteria provided, single submitter. Criteria: Genomenon Sequence Variant Interpretation Standards - Updated. Collection method: curation. Allele origin: germline. Affected: no.
Comment: ABCB4 c.*17A>G is a variant located in the 3′ untranslated region (3′ UTR). This variant has been reported in the published literature (PMID:30079523). It is absent or not present at a significant frequency in gnomAD. In conclusion, we classify ABCB4 c.*17A>G as a variant of uncertain significance.

Literature cited by the submitters: PubMed 30079523.